The following is an entry in ClinVar:

ClinVar aggregate classification (germline): Uncertain significance (1 of 4 stars; one submission).

Conditions:
Cardiovascular phenotype. Identifiers: MedGen CN230736.

Submission:

Ambry Genetics
Classification: Uncertain significance for Cardiovascular phenotype. Last evaluated: 2026-09-04. Review status: criteria provided, single submitter. Criteria: Ambry Variant Classification Scheme 2023. Collection method: clinical testing. Allele origin: germline.
Comment: The p.S534G variant (also known as c.1600A>G), located in coding exon 4 of the JPH2 gene, results from an A to G substitution at nucleotide position 1600. The serine at codon 534 is replaced by glycine, an amino acid with similar properties. This amino acid position is conserved. In addition, this alteration is predicted to be tolerated by in silico analysis. Based on the available evidence, the clinical significance of this variant remains unclear.

NM_020433.5(JPH2):c.1600A>G (p.Ser534Gly)

Gene: JPH2 (junctophilin 2; minus strand). Cytogenetic location: 20q13.12.
Variant type: single nucleotide variant.
Coding change: c.1600A>G on transcript NM_020433.5 (MANE Select); coding-DNA position 1600, A replaced by G.
Protein change: p.Ser534Gly; replaces serine 534 with glycine.
Molecular consequence: missense variant.
Genome position (GRCh38, 1-based): chr20:44,116,075, T>C on the plus strand (A>G on the coding strand, the complement: JPH2 is on the minus strand). VCF-style: chr20-44116075-T-C. GRCh37 (hg19) VCF-style: chr20-42744715-T-C.
Other names: short protein forms S534G.
Identifiers: ClinVar variation 5022907 (VCV005022907.1).